The following is an entry in ClinVar:

NM_001303256.3(MORC2):c.566T>C (p.Met189Thr)

Gene: MORC2 (MORC family CW-type zinc finger 2; minus strand). Cytogenetic location: 22q12.2.
Variant type: single nucleotide variant.
Coding change: c.566T>C on transcript NM_001303256.3 (MANE Select); coding-DNA position 566, T replaced by C.
Protein change: p.Met189Thr; replaces methionine 189 with threonine.
Molecular consequence: missense variant.
Genome position (GRCh38, 1-based): chr22:30,942,132, A>G on the plus strand (T>C on the coding strand, the complement: MORC2 is on the minus strand). VCF-style: chr22-30942132-A-G. GRCh37 (hg19) VCF-style: chr22-31338119-A-G.
Other names: c.566T>C, p.Met189Thr (NM_001303257.2); c.380T>C, p.Met127Thr (NM_014941.3); short protein forms M127T, M189T.
Identifiers: ClinVar variation 542275 (VCV000542275.7), dbSNP rs1555940315, ClinGen allele CA411243460.
Genomic context (GRCh38, chr22:30,942,132, plus strand): 5'-CTCCCAGATTCTAGGGGCTACAGGCTCAAAGCCTACTTACCGCTGTCCCCAGGAATCTTC[A>G]TAAACTGGGTCATCACTTCCTCCTCAGTGCGGAATGGAGAGTACTTATAGATGAGTTCTG-3'
Protein context (NP_001290185.1, residues 179-199): RTEEEVMTQF[Met189Thr]KIPGDSGTLV

ClinVar aggregate classification (germline): Uncertain significance (1 of 4 stars; one submission).

Conditions:
Charcot-Marie-Tooth disease axonal type 2Z. Also called: CHARCOT-MARIE-TOOTH DISEASE, AXONAL, AUTOSOMAL DOMINANT, TYPE 2Z; CHARCOT-MARIE-TOOTH NEUROPATHY, TYPE 2Z. Identifiers: Orphanet 466768, MedGen C5569025, MONDO:0014736, OMIM 616688.

Submission:

Labcorp Genetics (formerly Invitae), Labcorp
Classification: Uncertain significance for Charcot-Marie-Tooth disease axonal type 2Z. Last evaluated: 2023-09-13. Review status: criteria provided, single submitter. Criteria: Invitae Variant Classification Sherloc (09022015). Collection method: clinical testing. Allele origin: germline.
Comment: In summary, the available evidence is currently insufficient to determine the role of this variant in disease. Therefore, it has been classified as a Variant of Uncertain Significance. This sequence change replaces methionine, which is neutral and non-polar, with threonine, which is neutral and polar, at codon 189 of the MORC2 protein (p.Met189Thr). This variant is not present in population databases (gnomAD no frequency). This variant has not been reported in the literature in individuals affected with MORC2-related conditions. ClinVar contains an entry for this variant (Variation ID: 542275). Advanced modeling of protein sequence and biophysical properties (such as structural, functional, and spatial information, amino acid conservation, physicochemical variation, residue mobility, and thermodynamic stability) performed at Invitae indicates that this missense variant is not expected to disrupt MORC2 protein function.